The following is an entry in ClinVar:

NM_000110.4(DPYD):c.484-5C>T

Gene: DPYD (dihydropyrimidine dehydrogenase; minus strand). Cytogenetic location: 1p21.3.
Variant type: single nucleotide variant.
Coding change: c.484-5C>T on transcript NM_000110.4 (MANE Select); 5 bases into the intron before coding-DNA position 484, C replaced by T.
Molecular consequence: intron variant.
Genome position (GRCh38, 1-based): chr1:97,699,552, G>A on the plus strand (C>T on the coding strand, the complement: DPYD is on the minus strand). VCF-style: chr1-97699552-G-A. GRCh37 (hg19) VCF-style: chr1-98165108-G-A.
Identifiers: ClinVar variation 1032889 (VCV001032889.1), dbSNP rs767955683, ClinGen allele CA963637.

ClinVar aggregate classification (germline): Uncertain significance (1 of 4 stars; one submission).

Conditions:
Dihydropyrimidine dehydrogenase deficiency (DPYDD). Also called: Hereditary Thymine-Uraciluria; DPD DEFICIENCY; DPYD DEFICIENCY. Identifiers: Orphanet 1675, MedGen C1959620, MONDO:0010130, OMIM 274270.

Allele frequency attached by ClinVar (database versions not stated): gnomAD exomes 0.00007; ExAC 0.00009; TOPMed 0.00011.
gnomAD v4.1: 95 of 1,612,788 alleles (0.0059%); highest among the groups gnomAD compares: Middle Eastern, 0.016%; no homozygotes.

Submission:

Baylor Genetics
Classification: Uncertain significance for Dihydropyrimidine dehydrogenase deficiency. Last evaluated: 2018-05-14. Review status: criteria provided, single submitter. Criteria: ACMG Guidelines, 2015. Collection method: clinical testing. Allele origin: paternal. Affected: yes.
Comment: This variant was determined to be of uncertain significance according to ACMG Guidelines, 2015 [PMID:25741868].